The following is an entry in ClinVar:

ClinVar aggregate classification (germline): Uncertain significance. Review status: criteria provided, multiple submitters, no conflicts (2 of 4 stars). 3 submissions from 3 submitters: Uncertain significance (3). Last evaluated 2025-08-18.

Conditions:
Dyskeratosis congenita, autosomal recessive 5 (DKCB5). Identifiers: MedGen C3554656, MONDO:0014076, OMIM 615190.
Pulmonary fibrosis and/or bone marrow failure, Telomere-related, 3. Also called: PULMONARY FIBROSIS AND/OR BONE MARROW FAILURE SYNDROME, TELOMERE-RELATED, 3. Identifiers: Orphanet 2032, MedGen C4225346, MONDO:0014613, OMIM 616373.
Inborn genetic diseases. Identifiers: MedGen C0950123, MeSH D030342.

gnomAD v4.1: 16 of 1,611,310 alleles (0.00099%); highest among the groups gnomAD compares: Non-Finnish European, 0.0013%; no homozygotes.

Submissions (3):

Labcorp Genetics (formerly Invitae), Labcorp
Classification: Uncertain significance for Dyskeratosis congenita, autosomal recessive 5; Pulmonary fibrosis and/or bone marrow failure, Telomere-related, 3. Last evaluated: 2025-08-18. Review status: criteria provided, single submitter. Criteria: Invitae Variant Classification Sherloc (09022015). Collection method: clinical testing. Allele origin: germline.
Comment: This sequence change replaces alanine, which is neutral and non-polar, with proline, which is neutral and non-polar, at codon 718 of the RTEL1 protein (p.Ala718Pro). This variant is present in population databases (rs372284625, gnomAD 0.002%). This variant has not been reported in the literature in individuals affected with RTEL1-related conditions. ClinVar contains an entry for this variant (Variation ID: 3587606). An algorithm developed to predict the effect of missense changes on protein structure and function outputs the following: PolyPhen-2: "Benign". The proline amino acid residue is found in multiple mammalian species, which suggests that this missense change does not adversely affect protein function. In summary, the available evidence is currently insufficient to determine the role of this variant in disease. Therefore, it has been classified as a Variant of Uncertain Significance.

Ambry Genetics
Classification: Uncertain significance for Inborn genetic diseases. Last evaluated: 2025-01-05. Review status: criteria provided, single submitter. Criteria: Ambry Variant Classification Scheme 2023. Collection method: clinical testing. Allele origin: germline.
Comment: The p.A718P variant (also known as c.2152G>C), located in coding exon 24 of the RTEL1 gene, results from a G to C substitution at nucleotide position 2152. The alanine at codon 718 is replaced by proline, an amino acid with highly similar properties. This amino acid position is conserved. In addition, this alteration is predicted to be tolerated by in silico analysis. Based on the available evidence, the clinical significance of this variant remains unclear.

Fulgent Genetics
Classification: Uncertain significance for Dyskeratosis congenita, autosomal recessive 5; Pulmonary fibrosis and/or bone marrow failure, Telomere-related, 3. Last evaluated: 2024-06-21. Review status: criteria provided, single submitter. Criteria: ACMG Guidelines, 2015. Collection method: clinical testing. Allele origin: germline.

NM_001283009.2(RTEL1):c.2152G>C (p.Ala718Pro)

Genes: RTEL1 (regulator of telomere elongation helicase 1; plus strand), RTEL1-TNFRSF6B (RTEL1-TNFRSF6B readthrough (NMD candidate); plus strand). Cytogenetic location: 20q13.33.
Variant type: single nucleotide variant.
Coding change: c.2152G>C on transcript NM_001283009.2 (MANE Select); coding-DNA position 2152, G replaced by C.
Protein change: p.Ala718Pro; replaces alanine 718 with proline.
Molecular consequence: missense variant. On other transcripts: non-coding transcript variant (1).
Genome position (GRCh38, 1-based): chr20:63,690,097, G>C. VCF-style: chr20-63690097-G-C. GRCh37 (hg19) VCF-style: chr20-62321450-G-C.
Other names: c.1483G>C, p.Ala495Pro (NM_001283010.1); c.2152G>C, p.Ala718Pro (NM_016434.4); c.2224G>C, p.Ala742Pro (NM_032957.5); short protein forms A742P, A495P, A718P.
Identifiers: ClinVar variation 3587606 (VCV003587606.3).